The following is an entry in ClinVar:

NM_001002916.5(H2BW1):c.325G>A (p.Glu109Lys)

Gene: H2BW1 (H2B.W histone 1; minus strand). Cytogenetic location: Xq22.2.
Variant type: single nucleotide variant.
Coding change: c.325G>A on transcript NM_001002916.5 (MANE Select); coding-DNA position 325, G replaced by A.
Protein change: p.Glu109Lys; replaces glutamic acid 109 with lysine.
Molecular consequence: missense variant.
Genome position (GRCh38, 1-based): chrX:104,013,252, C>T on the plus strand (G>A on the coding strand, the complement: H2BW1 is on the minus strand). VCF-style: chrX-104013252-C-T. GRCh37 (hg19) VCF-style: chrX-103267824-C-T.
Other names: short protein forms E109K.
Identifiers: ClinVar variation 4832345 (VCV004832345.1).

ClinVar aggregate classification (germline): Uncertain significance (1 of 4 stars; one submission).

gnomAD v4.1: 10 of 1,210,783 alleles (0.00083%); highest among the groups gnomAD compares: Non-Finnish European, 0.0011%; no homozygotes.

Submission:

Ambry Genetics
Classification: Uncertain significance. Last evaluated: 2026-01-20. Review status: criteria provided, single submitter. Criteria: Ambry Variant Classification Scheme 2023. Collection method: clinical testing. Allele origin: germline.
Comment: The c.409G>A (p.E137K) alteration is located in exon 1 (coding exon 1) of the H2BFWT gene. This alteration results from a G to A substitution at nucleotide position 409, causing the glutamic acid (E) at amino acid position 137 to be replaced by a lysine (K). Based on data from gnomAD, the A allele has an overall frequency of 0.002% (3/182429) total alleles studied. The highest observed frequency was 0.004% (3/81280) of European (non-Finnish) alleles. Based on insufficient or conflicting evidence, the clinical significance of this alteration remains unclear.